The following is an entry in ClinVar:

ClinVar aggregate classification (germline): Uncertain significance (1 of 4 stars; one submission).

Allele frequency attached by ClinVar (database versions not stated): gnomAD exomes below 0.00001; gnomAD 0.00001.
gnomAD v4.1: 2 of 1,612,050 alleles (0.00012%); highest among the groups gnomAD compares: Admixed American, 0.0017%; no homozygotes.

Submission:

Labcorp Genetics (formerly Invitae), Labcorp
Classification: Uncertain significance. Last evaluated: 2024-09-06. Review status: criteria provided, single submitter. Criteria: Invitae Variant Classification Sherloc (09022015). Collection method: clinical testing. Allele origin: germline.
Comment: This sequence change replaces cysteine, which is neutral and slightly polar, with arginine, which is basic and polar, at codon 100 of the RBPJ protein (p.Cys100Arg). This variant is not present in population databases (gnomAD no frequency). This variant has not been reported in the literature in individuals affected with RBPJ-related conditions. ClinVar contains an entry for this variant (Variation ID: 1991324). Invitae Evidence Modeling of protein sequence and biophysical properties (such as structural, functional, and spatial information, amino acid conservation, physicochemical variation, residue mobility, and thermodynamic stability) indicates that this missense variant is not expected to disrupt RBPJ protein function with a negative predictive value of 80%. In summary, the available evidence is currently insufficient to determine the role of this variant in disease. Therefore, it has been classified as a Variant of Uncertain Significance.

NM_015874.6(RBPJ):c.259T>C (p.Cys87Arg)

Gene: RBPJ (recombination signal binding protein for immunoglobulin kappa J region; plus strand). Cytogenetic location: 4p15.2.
Variant type: single nucleotide variant.
Coding change: c.259T>C on transcript NM_015874.6 (MANE Select); coding-DNA position 259, T replaced by C.
Protein change: p.Cys87Arg; replaces cysteine 87 with arginine.
Molecular consequence: missense variant.
Genome position (GRCh38, 1-based): chr4:26,415,578, T>C. VCF-style: chr4-26415578-T-C. GRCh37 (hg19) VCF-style: chr4-26417200-T-C.
Other names: c.193T>C, p.Cys65Arg (NM_001363577.2, NM_203283.5); c.298T>C, p.Cys100Arg (NM_001374400.1, NM_001379408.1, NM_005349.4); c.256T>C, p.Cys86Arg (NM_001374401.1, NM_001374402.1, NM_001374403.1 and 3 more transcripts); c.253T>C, p.Cys85Arg (NM_001379409.1); short protein forms C65R, C85R, C86R, C100R, C87R.
Identifiers: ClinVar variation 1991324 (VCV001991324.4), dbSNP rs1734500474, ClinGen allele CA356669918.